The following is an entry in ClinVar:

ClinVar aggregate classification (germline): Uncertain significance. Review status: criteria provided, multiple submitters, no conflicts (2 of 4 stars). 2 submissions from 2 submitters: Uncertain significance (2). Last evaluated 2022-01-01.

Conditions:
Hereditary cancer-predisposing syndrome. Also called: Neoplastic Syndromes, Hereditary; Tumor predisposition; Hereditary Cancer Syndrome; Hereditary neoplastic syndrome. Identifiers: Orphanet 140162, MedGen C0027672, MeSH D009386, MONDO:0015356.

Submissions (2):

Women's Health and Genetics/Laboratory Corporation of America, LabCorp
Classification: Uncertain significance. Last evaluated: 2022-01-01. Review status: criteria provided, single submitter. Criteria: LabCorp Variant Classification Summary - May 2015. Collection method: clinical testing. Allele origin: germline.

Ambry Genetics
Classification: Uncertain significance for Hereditary cancer-predisposing syndrome. Last evaluated: 2015-07-15. Review status: criteria provided, single submitter. Criteria: Ambry Variant Classification Scheme 2023. Collection method: clinical testing. Allele origin: germline.
Comment: The p.E1145D variant (also known as c.3435A>C), located in coding exon 19 of the BRIP1 gene, results from an A to C substitution at nucleotide position 3435. The glutamic acid at codon 1145 is replaced by aspartic acid, an amino acid with highly similar properties. This variant was not reported in population based cohorts in the following databases: Database of Single Nucleotide Polymorphisms (dbSNP), NHLBI Exome Sequencing Project (ESP), and 1000 Genomes Project. In the ESP, this variant was not observed in 6502 samples (13004 alleles) with coverage at this position. To date, this alteration has been detected with an allele frequency of approximately 0.002% (greater than 65000 alleles tested) in our clinical cohort. This amino acid position is well conserved in available vertebrate species. In addition, this alteration is predicted to be tolerated by in silico analysis. Since supporting evidence is limited at this time, the clinical significance of p.E1145D remains unclear.

NM_032043.3(BRIP1):c.3435A>C (p.Glu1145Asp)

Gene: BRIP1 (BRCA1 interacting DNA helicase 1; minus strand). Cytogenetic location: 17q23.2.
Variant type: single nucleotide variant.
Coding change: c.3435A>C on transcript NM_032043.3 (MANE Select); coding-DNA position 3435, A replaced by C.
Protein change: p.Glu1145Asp; replaces glutamic acid 1145 with aspartic acid.
Molecular consequence: missense variant.
Genome position (GRCh38, 1-based): chr17:61,683,611, T>G on the plus strand (A>C on the coding strand, the complement: BRIP1 is on the minus strand). VCF-style: chr17-61683611-T-G. GRCh37 (hg19) VCF-style: chr17-59760972-T-G.
Other names: short protein forms E1145D.
Identifiers: ClinVar variation 232864 (VCV000232864.6), dbSNP rs876660035, ClinGen allele CA10580773.